The following is an entry in ClinVar:

ClinVar aggregate classification (germline): Uncertain significance (1 of 4 stars; one submission).

Submission:

Labcorp Genetics (formerly Invitae), Labcorp
Classification: Uncertain significance. Last evaluated: 2023-07-17. Review status: criteria provided, single submitter. Criteria: Invitae Variant Classification Sherloc (09022015). Collection method: clinical testing. Allele origin: germline.
Comment: This sequence change falls in intron 6 of the CLCNKB gene. It does not directly change the encoded amino acid sequence of the CLCNKB protein. It affects a nucleotide within the consensus splice site. This variant is not present in population databases (gnomAD no frequency). This variant has not been reported in the literature in individuals affected with CLCNKB-related conditions. Variants that disrupt the consensus splice site are a relatively common cause of aberrant splicing (PMID: 17576681, 9536098). Algorithms developed to predict the effect of sequence changes on RNA splicing suggest that this variant may disrupt the consensus splice site. In summary, the available evidence is currently insufficient to determine the role of this variant in disease. Therefore, it has been classified as a Variant of Uncertain Significance.

Literature cited by the submitters: PubMed 17576681; PubMed 9536098.

NM_000085.5(CLCNKB):c.577-3C>G

Genes: CLCNKB (chloride voltage-gated channel Kb; plus strand), LOC106501713 (CLCNKB recombination region; plus strand). Cytogenetic location: 1p36.13.
Variant type: single nucleotide variant.
Coding change: c.577-3C>G on transcript NM_000085.5 (MANE Select); 3 bases into the intron before coding-DNA position 577, C replaced by G.
Molecular consequence: intron variant.
Genome position (GRCh38, 1-based): chr1:16,048,501, C>G. VCF-style: chr1-16048501-C-G. GRCh37 (hg19) VCF-style: chr1-16374996-C-G.
Identifiers: ClinVar variation 2966975 (VCV002966975.1), dbSNP rs2524377780, ClinGen allele CA2740090598.